The following is an entry in ClinVar:

NM_032444.4(SLX4):c.1163+10C>T

Gene: SLX4 (SLX4 structure-specific endonuclease subunit; minus strand). Cytogenetic location: 16p13.3.
Variant type: single nucleotide variant.
Coding change: c.1163+10C>T on transcript NM_032444.4 (MANE Select); 10 bases into the intron after coding-DNA position 1163, C replaced by T.
Molecular consequence: intron variant.
Genome position (GRCh38, 1-based): chr16:3,600,969, G>A on the plus strand (C>T on the coding strand, the complement: SLX4 is on the minus strand). VCF-style: chr16-3600969-G-A. GRCh37 (hg19) VCF-style: chr16-3650970-G-A.
Other names: p.?; c.1163+10C>T (NM_032444.3, LRG_503t1).
Identifiers: ClinVar variation 262033 (VCV000262033.33), dbSNP rs80116508, ClinGen allele CA7866620.
Genomic context (GRCh38, chr16:3,600,969, plus strand): 5'-TTTAAATAGAAAAAGCCCTGAGTGCACACAGCATTATTTGGCTTGGTTTTCTTCCTTTTC[G>A]TCGACTTACCTGAACATGGGTGGGCTGCTGCTACCCTCAGGCTGTGCTGTCTGCAGCCGC-3'

ClinVar aggregate classification (germline): Benign/Likely benign. Review status: criteria provided, multiple submitters, no conflicts (2 of 4 stars). 11 submissions from 11 submitters: Benign (8); Likely benign (2). 1 of the submissions does not count toward it. Last evaluated 2026-02-04.

Conditions:
Fanconi anemia complementation group P. Also called: SLX4-Related Fanconi Anemia. Identifiers: Orphanet 84, MedGen C3469542, MONDO:0013499, OMIM 613951.
Fanconi anemia (FA). Also called: Fanconi's anemia. Identifiers: Orphanet 84, MedGen C0015625, MeSH D005199, MONDO:0019391.

Allele frequency attached by ClinVar (database versions not stated): 1000 Genomes Project 0.05891; 1000 Genomes Project 30x 0.06106; TOPMed 0.06678; ESP Exome Variant Server 0.06865.
gnomAD v4.1: 102,279 of 1,611,776 alleles (6.3%); highest among the groups gnomAD compares: African/African-American, 7.1%; 3,489 homozygotes.

Submissions (11):

Labcorp Genetics (formerly Invitae), Labcorp
Classification: Benign for Fanconi anemia. Last evaluated: 2026-02-04. Review status: criteria provided, single submitter. Criteria: Invitae Variant Classification Sherloc (09022015). Collection method: clinical testing. Allele origin: germline.

Mayo Clinic Laboratories, Mayo Clinic
Classification: Benign. Last evaluated: 2025-09-15. Review status: criteria provided, single submitter. Criteria: ACMG Guidelines, 2015. Collection method: clinical testing. Allele origin: germline. Observed: 2 variant alleles.

ARUP Laboratories, Molecular Genetics and Genomics, ARUP Laboratories
Classification: Benign for Fanconi anemia complementation group P. Last evaluated: 2025-07-02. Review status: criteria provided, single submitter. Criteria: ARUP Molecular Germline Variant Investigation Process 2024. Collection method: clinical testing. Allele origin: germline.

Blueprint Genetics
Classification: Likely benign. Last evaluated: 2024-11-27. Review status: criteria provided, single submitter. Criteria: ACMG Guidelines, 2015. Collection method: clinical testing. Allele origin: germline.

KCCC/NGS Laboratory, Kuwait Cancer Control Center
Classification: Benign for Fanconi anemia complementation group P. Last evaluated: 2023-07-07. Review status: criteria provided, single submitter. Criteria: ACMG Guidelines, 2015. Collection method: clinical testing. Allele origin: germline. Affected: yes.

Fulgent Genetics
Classification: Likely benign for Fanconi anemia complementation group P. Last evaluated: 2021-09-23. Review status: criteria provided, single submitter. Criteria: ACMG Guidelines, 2015. Collection method: clinical testing. Allele origin: unknown.

GeneDx
Classification: Benign. Last evaluated: 2019-02-24. Review status: criteria provided, single submitter. Criteria: GeneDx Variant Classification Process June 2021. Collection method: clinical testing. Allele origin: germline. Affected: yes.

Illumina Laboratory Services, Illumina
Classification: Benign for Fanconi anemia complementation group P. Last evaluated: 2018-01-13. Review status: criteria provided, single submitter. Criteria: ICSL Variant Classification Criteria 13 December 2019. Collection method: clinical testing. Allele origin: germline.
Comment: This variant was observed in the ICSL laboratory as part of a predisposition screen in an ostensibly healthy population. It had not been previously curated by ICSL or reported in the Human Gene Mutation Database (HGMD: prior to June 1st, 2018), and was therefore a candidate for classification through an automated scoring system. Utilizing variant allele frequency, disease prevalence and penetrance estimates, and inheritance mode, an automated score was calculated to assess if this variant is too frequent to cause the disease. Based on the score and internal cut-off values, a variant classified as benign is not then subjected to further curation. The score for this variant resulted in a classification of benign for this disease.

Breakthrough Genomics
Classification: Benign. Review status: criteria provided, single submitter. Criteria: ACMG Guidelines, 2015. Collection method: not provided. Allele origin: germline. Inheritance: Autosomal recessive inheritance. Affected: yes.

PreventionGenetics, part of Exact Sciences
Classification: Benign. Review status: criteria provided, single submitter. Criteria: ACMG Guidelines, 2015. Collection method: clinical testing. Allele origin: germline.

Leiden Open Variation Database
Classification: Likely benign. Last evaluated: 2012-08-31. Review status: no assertion criteria provided. Collection method: curation. Allele origin: germline. Affected: yes. Not counted in ClinVar's aggregate classification.
Comment: Curator: Arleen D. Auerbach. Submitter to LOVD: Janine Bakker.

Literature cited by the submitters: PubMed 22911665 (cited by Leiden Open Variation Database).